The following is an entry in ClinVar:

NM_002905.5(RDH5):c.854G>A (p.Trp285Ter)

Genes: BLOC1S1-RDH5 (BLOC1S1-RDH5 readthrough; plus strand), CD63 (CD63 molecule; minus strand), RDH5 (retinol dehydrogenase 5; plus strand). Cytogenetic location: 12q13.2.
Variant type: single nucleotide variant.
Coding change: c.854G>A on transcript NM_002905.5 (MANE Select); coding-DNA position 854, G replaced by A.
Protein change: p.Trp285Ter; replaces tryptophan 285 with a stop codon.
Molecular consequence: nonsense. On other transcripts: non-coding transcript variant (1), 3 prime UTR variant (2).
Genome position (GRCh38, 1-based): chr12:55,724,442, G>A. VCF-style: chr12-55724442-G-A. GRCh37 (hg19) VCF-style: chr12-56118226-G-A.
Other names: c.854G>A, p.Trp285Ter (NM_001199771.3); c.*622C>T (NM_001413284.1); c.*637C>T (NM_001413285.1); short protein forms W285*.
Identifiers: ClinVar variation 3721468 (VCV003721468.2).

ClinVar aggregate classification (germline): Pathogenic (1 of 4 stars; one submission).

gnomAD v4.1: 2 of 1,614,148 alleles (0.00012%); highest among the groups gnomAD compares: Non-Finnish European, 0.00017%; no homozygotes.

Submission:

Labcorp Genetics (formerly Invitae), Labcorp
Classification: Pathogenic. Last evaluated: 2024-09-24. Review status: criteria provided, single submitter. Criteria: Invitae Variant Classification Sherloc (09022015). Collection method: clinical testing. Allele origin: germline.
Comment: This sequence change creates a premature translational stop signal (p.Trp285*) in the RDH5 gene. While this is not anticipated to result in nonsense mediated decay, it is expected to disrupt the last 34 amino acid(s) of the RDH5 protein. This variant is present in population databases (rs758849577, gnomAD 0.0009%). This variant has not been reported in the literature in individuals affected with RDH5-related conditions. This variant disrupts a region of the RDH5 protein in which other variant(s) (p.Ala294Pro) have been determined to be pathogenic (PMID: 10617778, 20829743). This suggests that this is a clinically significant region of the protein, and that variants that disrupt it are likely to be disease-causing. For these reasons, this variant has been classified as Pathogenic.

Literature cited by the submitters: PubMed 10617778; PubMed 20829743.